The following is an entry in ClinVar:

ClinVar aggregate classification (germline): Uncertain significance (1 of 4 stars; one submission).

Submission:

Labcorp Genetics (formerly Invitae), Labcorp
Classification: Uncertain significance. Last evaluated: 2023-10-05. Review status: criteria provided, single submitter. Criteria: Invitae Variant Classification Sherloc (09022015). Collection method: clinical testing. Allele origin: germline.
Comment: This sequence change replaces alanine, which is neutral and non-polar, with threonine, which is neutral and polar, at codon 14 of the RNASEH1 protein (p.Ala14Thr). This variant is not present in population databases (gnomAD no frequency). This variant has not been reported in the literature in individuals affected with RNASEH1-related conditions. Algorithms developed to predict the effect of missense changes on protein structure and function output the following: SIFT: "Not Available"; PolyPhen-2: "Benign"; Align-GVGD: "Not Available". The threonine amino acid residue is found in multiple mammalian species, which suggests that this missense change does not adversely affect protein function. In summary, the available evidence is currently insufficient to determine the role of this variant in disease. Therefore, it has been classified as a Variant of Uncertain Significance.

NM_002936.6(RNASEH1):c.40G>A (p.Ala14Thr)

Genes: RNASEH1 (ribonuclease H1; minus strand), LOC129933002 (ATAC-STARR-seq lymphoblastoid active region 15231; plus strand). Cytogenetic location: 2p25.3.
Variant type: single nucleotide variant.
Coding change: c.40G>A on transcript NM_002936.6 (MANE Select); coding-DNA position 40, G replaced by A.
Protein change: p.Ala14Thr; replaces alanine 14 with threonine.
Molecular consequence: missense variant. On other transcripts: 5 prime UTR variant (2), non-coding transcript variant (7).
Genome position (GRCh38, 1-based): chr2:3,558,221, C>T on the plus strand (G>A on the coding strand, the complement: RNASEH1 is on the minus strand). VCF-style: chr2-3558221-C-T. GRCh37 (hg19) VCF-style: chr2-3605811-C-T.
Other names: c.-39G>A (NM_001286834.3); c.-550G>A (NM_001286837.3); c.40G>A, p.Ala14Thr (NM_001378271.1, NM_001378272.1, NM_001378273.1); short protein forms A14T.
Identifiers: ClinVar variation 3000562 (VCV003000562.3), dbSNP rs2528146333, ClinGen allele CA345740211.